The following is an entry in ClinVar:

ClinVar aggregate classification (germline): Likely benign. Review status: criteria provided, multiple submitters, no conflicts (2 of 4 stars). 4 submissions from 4 submitters: Likely benign (3). 1 of the submissions does not count toward it. Last evaluated 2025-08-04.

Conditions:
Fanconi anemia complementation group P. Also called: SLX4-Related Fanconi Anemia. Identifiers: Orphanet 84, MedGen C3469542, MONDO:0013499, OMIM 613951.
Fanconi anemia (FA). Also called: Fanconi's anemia. Identifiers: Orphanet 84, MedGen C0015625, MeSH D005199, MONDO:0019391.

Allele frequency attached by ClinVar (database versions not stated): ExAC 0.00001; gnomAD exomes 0.00002 and 0.00003; gnomAD 0.00005; TOPMed 0.00006; ESP Exome Variant Server 0.00008.
gnomAD v4.1: 49 of 1,614,106 alleles (0.003%); highest among the groups gnomAD compares: Middle Eastern, 0.049%; no homozygotes.

Submissions (4):

Labcorp Genetics (formerly Invitae), Labcorp
Classification: Likely benign for Fanconi anemia. Last evaluated: 2025-08-04. Review status: criteria provided, single submitter. Criteria: Invitae Variant Classification Sherloc (09022015). Collection method: clinical testing. Allele origin: germline.

Blueprint Genetics
Classification: Likely benign. Last evaluated: 2024-10-21. Review status: criteria provided, single submitter. Criteria: ACMG Guidelines, 2015. Collection method: clinical testing. Allele origin: germline.

Fulgent Genetics
Classification: Likely benign for Fanconi anemia complementation group P. Last evaluated: 2022-03-22. Review status: criteria provided, single submitter. Criteria: ACMG Guidelines, 2015. Collection method: clinical testing. Allele origin: unknown.

Leiden Open Variation Database
Classification: Likely benign. Last evaluated: 2012-08-31. Review status: no assertion criteria provided. Collection method: curation. Allele origin: germline. Affected: yes. Not counted in ClinVar's aggregate classification.
Comment: Curator: Arleen D. Auerbach. Submitter to LOVD: Janine Bakker.

Literature cited by the submitters: PubMed 22911665 (cited by Leiden Open Variation Database).

NM_032444.4(SLX4):c.237T>C (p.Ala79=)

Gene: SLX4 (SLX4 structure-specific endonuclease subunit; minus strand). Cytogenetic location: 16p13.3.
Variant type: single nucleotide variant.
Coding change: c.237T>C on transcript NM_032444.4 (MANE Select); coding-DNA position 237, T replaced by C.
Protein change: p.Ala79=; no amino-acid change (alanine 79 retained).
Molecular consequence: synonymous variant.
Genome position (GRCh38, 1-based): chr16:3,608,728, A>G on the plus strand (T>C on the coding strand, the complement: SLX4 is on the minus strand). VCF-style: chr16-3608728-A-G. GRCh37 (hg19) VCF-style: chr16-3658729-A-G.
Identifiers: ClinVar variation 929583 (VCV000929583.10), dbSNP rs375620914, ClinGen allele CA7866920.